The following is an entry in ClinVar:

ClinVar aggregate classification (germline): Uncertain significance. Review status: criteria provided, multiple submitters, no conflicts (2 of 4 stars). 2 submissions from 2 submitters: Uncertain significance (2). Last evaluated 2025-08-11.

Conditions:
Hereditary cancer-predisposing syndrome. Also called: Neoplastic Syndromes, Hereditary; Hereditary Cancer Syndrome; Hereditary neoplastic syndrome; Tumor predisposition. Identifiers: Orphanet 140162, MedGen C0027672, MeSH D009386, MONDO:0015356.
Gorlin syndrome. Also called: Basal cell nevus syndrome; Nevoid Basal Cell Carcinoma Syndrome. Identifiers: Orphanet 377, MedGen C0004779, MONDO:0007187.

Submissions (2):

Ambry Genetics
Classification: Uncertain significance for Hereditary cancer-predisposing syndrome. Last evaluated: 2025-08-11. Review status: criteria provided, single submitter. Criteria: Ambry Variant Classification Scheme 2023. Collection method: clinical testing. Allele origin: germline.
Comment: The p.A1344T variant (also known as c.4030G>A), located in coding exon 23 of the PTCH1 gene, results from a G to A substitution at nucleotide position 4030. The alanine at codon 1344 is replaced by threonine, an amino acid with similar properties. This amino acid position is conserved. In addition, this alteration is predicted to be tolerated by in silico analysis. Based on the available evidence, the clinical significance of this variant remains unclear.

Labcorp Genetics (formerly Invitae), Labcorp
Classification: Uncertain significance for Gorlin syndrome. Last evaluated: 2025-07-18. Review status: criteria provided, single submitter. Criteria: Invitae Variant Classification Sherloc (09022015). Collection method: clinical testing. Allele origin: germline.
Comment: This sequence change replaces alanine, which is neutral and non-polar, with threonine, which is neutral and polar, at codon 1344 of the PTCH1 protein (p.Ala1344Thr). This variant is not present in population databases (gnomAD no frequency). This variant has not been reported in the literature in individuals affected with PTCH1-related conditions. ClinVar contains an entry for this variant (Variation ID: 3713761). Invitae Evidence Modeling of protein sequence and biophysical properties (such as structural, functional, and spatial information, amino acid conservation, physicochemical variation, residue mobility, and thermodynamic stability) indicates that this missense variant is not expected to disrupt PTCH1 protein function with a negative predictive value of 95%. In summary, the available evidence is currently insufficient to determine the role of this variant in disease. Therefore, it has been classified as a Variant of Uncertain Significance.

NM_000264.5(PTCH1):c.4030G>A (p.Ala1344Thr)

Gene: PTCH1 (patched 1; minus strand). Cytogenetic location: 9q22.32.
Variant type: single nucleotide variant.
Coding change: c.4030G>A on transcript NM_000264.5 (MANE Select); coding-DNA position 4030, G replaced by A.
Protein change: p.Ala1344Thr; replaces alanine 1344 with threonine.
Molecular consequence: missense variant. On other transcripts: non-coding transcript variant (1).
Genome position (GRCh38, 1-based): chr9:95,447,226, C>T on the plus strand (G>A on the coding strand, the complement: PTCH1 is on the minus strand). VCF-style: chr9-95447226-C-T. GRCh37 (hg19) VCF-style: chr9-98209508-C-T.
Other names: c.3832G>A, p.Ala1278Thr (NM_001083602.3); c.4027G>A, p.Ala1343Thr (NM_001083603.3); c.3577G>A, p.Ala1193Thr (NM_001083604.3, NM_001083605.3, NM_001083606.3 and 1 more transcripts); c.3874G>A, p.Ala1292Thr (NM_001354918.2); short protein forms A1278T, A1292T, A1344T, A1193T, A1343T.
Identifiers: ClinVar variation 3713761 (VCV003713761.3).